The following is an entry in ClinVar:

NM_025144.4(ALPK1):c.121+1G>A

Gene: ALPK1 (alpha kinase 1; plus strand). Cytogenetic location: 4q25.
Variant type: single nucleotide variant.
Coding change: c.121+1G>A on transcript NM_025144.4 (MANE Select); the canonical splice donor site of the intron after coding-DNA position 121, G replaced by A.
Molecular consequence: splice donor variant.
Genome position (GRCh38, 1-based): chr4:112,377,899, G>A. VCF-style: chr4-112377899-G-A. GRCh37 (hg19) VCF-style: chr4-113299055-G-A.
Other names: NC_000004.11:g.113299055G>A; c.121+1G>A (NM_001102406.2); c.42+1G>A (NM_001253884.2).
Identifiers: ClinVar variation 4301578 (VCV004301578.2).
Genomic context (GRCh38, chr4:112,377,899, plus strand): 5'-TCTTGTTGGAAGCGCCAGATGTGTCGGAAGAGGACAAGAGCGAGGACCAGCGCTGCAGAG[G>A]TGAGGTTCTGATGGGAGGCACCAGGGGTGAACCAGCAGGTTCACTCTCCTGTCCCCTGCC-3'

ClinVar aggregate classification (germline): Uncertain significance (1 of 4 stars; one submission).

gnomAD v4.1: 14 of 1,605,278 alleles (0.00087%); highest among the groups gnomAD compares: South Asian, 0.014%; no homozygotes.

Submissions (2):

Labcorp Genetics (formerly Invitae), Labcorp
Classification: Uncertain significance. Last evaluated: 2025-12-29. Review status: criteria provided, single submitter. Criteria: Invitae Variant Classification Sherloc (09022015). Collection method: clinical testing. Allele origin: germline.
Comment: This sequence change affects a donor splice site in intron 3 of the ALPK1 gene. It is expected to disrupt RNA splicing. Variants that disrupt the donor or acceptor splice site typically lead to a loss of protein function (PMID: 16199547), however the current clinical and genetic evidence is not sufficient to establish whether loss-of-function variants in ALPK1 cause disease. This variant is present in population databases (rs776484720, gnomAD 0.01%). This variant has not been reported in the literature in individuals affected with ALPK1-related conditions. Algorithms developed to predict the effect of sequence changes on RNA splicing suggest that this variant may disrupt the consensus splice site. In summary, the available evidence is currently insufficient to determine the role of this variant in disease. Therefore, it has been classified as a Variant of Uncertain Significance.

Dr. Peter K. Rogan Lab, Western University
No classification provided (evidence only). Condition: Thyroid cancer, nonmedullary, 1. Review status: no classification provided. Collection method: in vitro. Allele origin: not applicable. Functional consequence: retained intron. Not counted in ClinVar's aggregate classification.

Literature cited by the submitters: PubMed 16199547 (cited by Labcorp Genetics (formerly Invitae), Labcorp).